The following is an entry in ClinVar:

NM_014423.4(AFF4):c.918+1G>A

Gene: AFF4 (ALF transcription elongation factor 4; minus strand). Cytogenetic location: 5q31.1.
Variant type: single nucleotide variant.
Coding change: c.918+1G>A on transcript NM_014423.4 (MANE Select); the canonical splice donor site of the intron after coding-DNA position 918, G replaced by A.
Molecular consequence: splice donor variant.
Genome position (GRCh38, 1-based): chr5:132,934,146, C>T on the plus strand (G>A on the coding strand, the complement: AFF4 is on the minus strand). VCF-style: chr5-132934146-C-T. GRCh37 (hg19) VCF-style: chr5-132269838-C-T.
Identifiers: ClinVar variation 2662967 (VCV002662967.1), dbSNP rs2532574399, ClinGen allele CA360957090.

ClinVar aggregate classification (germline): Uncertain significance (1 of 4 stars; one submission).

Submission:

GeneDx
Classification: Uncertain significance. Last evaluated: 2023-05-03. Review status: criteria provided, single submitter. Criteria: GeneDx Variant Classification Process June 2021. Collection method: clinical testing. Allele origin: germline. Affected: yes.
Comment: Canonical splice site variant in a gene or region of a gene for which loss of function is not a well-established mechanism of disease; Not observed at significant frequency in large population cohorts (gnomAD); Has not been previously published as pathogenic or benign to our knowledge